The following is an entry in ClinVar:

NM_030662.4(MAP2K2):c.842G>C (p.Arg281Pro)

Gene: MAP2K2 (mitogen-activated protein kinase kinase 2; minus strand). Cytogenetic location: 19p13.3.
Variant type: single nucleotide variant.
Coding change: c.842G>C on transcript NM_030662.4 (MANE Select); coding-DNA position 842, G replaced by C.
Protein change: p.Arg281Pro; replaces arginine 281 with proline.
Molecular consequence: missense variant.
Genome position (GRCh38, 1-based): chr19:4,099,278, C>G on the plus strand (G>C on the coding strand, the complement: MAP2K2 is on the minus strand). VCF-style: chr19-4099278-C-G. GRCh37 (hg19) VCF-style: chr19-4099276-C-G.
Other names: short protein forms R281P.
Identifiers: ClinVar variation 1355306 (VCV001355306.6), dbSNP rs1332074575, ClinGen allele CA403385473.
Genomic context (GRCh38, chr19:4,099,278, plus strand): 5'-GGGGGCCTCGGCCGAGGCGAGATGCTGTGAGGCTCTCCTTCTTCCCCGTCGACCACGGGC[C>G]GGCCAAAGATGGCCTCCAGCTCTTTGGCGTCGGGCGGGGGGATGGGGTACCTTCCGACGG-3'
Protein context (NP_109587.1, residues 271-291): DAKELEAIFG[Arg281Pro]PVVDGEEGEP

ClinVar aggregate classification (germline): Uncertain significance (1 of 4 stars; one submission).

Conditions:
RASopathy. Also called: rasopathies; Noonan spectrum disorder. Identifiers: Orphanet 536391, MedGen C5555857, MONDO:0021060.

gnomAD v4.1: 1 of 1,606,122 alleles (0.000062%); highest among the groups gnomAD compares: South Asian, 0.0011%; no homozygotes.

Submission:

Labcorp Genetics (formerly Invitae), Labcorp
Classification: Uncertain significance for RASopathy. Last evaluated: 2021-10-23. Review status: criteria provided, single submitter. Criteria: Invitae Variant Classification Sherloc (09022015). Collection method: clinical testing. Allele origin: germline.
Comment: In summary, the available evidence is currently insufficient to determine the role of this variant in disease. Therefore, it has been classified as a Variant of Uncertain Significance. Advanced modeling of protein sequence and biophysical properties (such as structural, functional, and spatial information, amino acid conservation, physicochemical variation, residue mobility, and thermodynamic stability) performed at Invitae indicates that this missense variant is not expected to disrupt MAP2K2 protein function. This variant has not been reported in the literature in individuals affected with MAP2K2-related conditions. This variant is not present in population databases (ExAC no frequency). This sequence change replaces arginine with proline at codon 281 of the MAP2K2 protein (p.Arg281Pro). The arginine residue is moderately conserved and there is a moderate physicochemical difference between arginine and proline.